The following is an entry in ClinVar:

NM_006915.3(RP2):c.461_463dup (p.Leu155Ter)

Gene: RP2 (RP2 activator of ARL3 GTPase; plus strand). Cytogenetic location: Xp11.3.
Variant type: Duplication.
Coding change: c.461_463dup on transcript NM_006915.3 (MANE Select); coding-DNA positions 461 to 463, 3 bases duplicated (AAT; older notation c.461_463dupAAT).
Protein change: p.Leu155Ter; replaces leucine 155 with a stop codon.
Molecular consequence: nonsense.
Genome position (GRCh38, 1-based): chrX:46,853,834-46,853,836, AAT duplicated. VCF-style (leftmost placement, unchanged base first): chrX-46853833-G-GAAT. GRCh37 (hg19) VCF-style: chrX-46713268-G-GAAT.
Other names: short protein forms L155*.
Identifiers: ClinVar variation 2019924 (VCV002019924.4), dbSNP rs2519914451, ClinGen allele CA2580101004.

ClinVar aggregate classification (germline): Pathogenic (1 of 4 stars; one submission).

Submission:

Labcorp Genetics (formerly Invitae), Labcorp
Classification: Pathogenic. Last evaluated: 2022-11-01. Review status: criteria provided, single submitter. Criteria: Invitae Variant Classification Sherloc (09022015). Collection method: clinical testing. Allele origin: germline.
Comment: This variant has not been reported in the literature in individuals affected with RP2-related conditions. This variant is not present in population databases (gnomAD no frequency). This sequence change creates a premature translational stop signal (p.Leu155*) in the RP2 gene. It is expected to result in an absent or disrupted protein product. Loss-of-function variants in RP2 are known to be pathogenic (PMID: 11992260, 20625056). For these reasons, this variant has been classified as Pathogenic.

Literature cited by the submitters: PubMed 11992260; PubMed 20625056.